The following is an entry in ClinVar:

NM_002890.3(RASA1):c.67G>C (p.Ala23Pro)

Gene: RASA1 (RAS p21 protein activator 1; plus strand). Cytogenetic location: 5q14.3.
Variant type: single nucleotide variant.
Coding change: c.67G>C on transcript NM_002890.3 (MANE Select); coding-DNA position 67, G replaced by C.
Protein change: p.Ala23Pro; replaces alanine 23 with proline.
Molecular consequence: missense variant.
Genome position (GRCh38, 1-based): chr5:87,268,518, G>C. VCF-style: chr5-87268518-G-C. GRCh37 (hg19) VCF-style: chr5-86564335-G-C.
Other names: short protein forms A23P.
Identifiers: ClinVar variation 2879960 (VCV002879960.3), dbSNP rs2531002115, ClinGen allele CA360416715.

ClinVar aggregate classification (germline): Uncertain significance (1 of 4 stars; one submission).

Conditions:
Capillary malformation-arteriovenous malformation syndrome. Also called: Capillary malformation-arteriovenous malformation. Identifiers: Orphanet 137667, MedGen C1842180, MONDO:0012016.

Allele frequency attached by ClinVar (database versions not stated): gnomAD exomes below 0.00001.
gnomAD v4.1: 1 of 1,579,466 alleles (0.000063%); highest among the groups gnomAD compares: Non-Finnish European, 0.000086%; no homozygotes.

Submission:

Labcorp Genetics (formerly Invitae), Labcorp
Classification: Uncertain significance for Capillary malformation-arteriovenous malformation syndrome. Last evaluated: 2023-12-12. Review status: criteria provided, single submitter. Criteria: Invitae Variant Classification Sherloc (09022015). Collection method: clinical testing. Allele origin: germline.
Comment: This sequence change replaces alanine, which is neutral and non-polar, with proline, which is neutral and non-polar, at codon 23 of the RASA1 protein (p.Ala23Pro). This variant is not present in population databases (gnomAD no frequency). This variant has not been reported in the literature in individuals affected with RASA1-related conditions. An algorithm developed to predict the effect of missense changes on protein structure and function (PolyPhen-2) suggests that this variant is likely to be disruptive. In summary, the available evidence is currently insufficient to determine the role of this variant in disease. Therefore, it has been classified as a Variant of Uncertain Significance.